The following is an entry in ClinVar:

NM_000053.4(ATP7B):c.2576-2A>G

Gene: ATP7B (ATPase copper transporting beta; minus strand). Cytogenetic location: 13q14.3.
Variant type: single nucleotide variant.
Coding change: c.2576-2A>G on transcript NM_000053.4 (MANE Select); the canonical splice acceptor site of the intron before coding-DNA position 2576, A replaced by G.
Molecular consequence: splice acceptor variant.
Genome position (GRCh38, 1-based): chr13:51,950,163, T>C on the plus strand (A>G on the coding strand, the complement: ATP7B is on the minus strand). VCF-style: chr13-51950163-T-C. GRCh37 (hg19) VCF-style: chr13-52524299-T-C.
Other names: c.2090-2A>G (NM_001406541.1, NM_001005918.3, NM_001406546.1 and 1 more transcripts); c.2324-2A>G (NM_001406531.1, NM_001406532.1, NM_001406540.1 and 1 more transcripts); c.2342-2A>G (NM_001406527.1, NM_001406528.1, NM_001406534.1 and 2 more transcripts); c.2432-2A>G (NM_001406537.1, NM_001406521.1, NM_001406522.1 and 1 more transcripts); c.2576-2A>G (NM_001406513.1, NM_001406511.1, NM_001406516.1 and 7 more transcripts); c.2228-2A>G (NM_001406543.1); c.2243-2A>G (NM_001243182.2); c.1286-2A>G (NM_001406548.1); and 8 more.
Identifiers: ClinVar variation 551892 (VCV000551892.6), dbSNP rs757265256, ClinGen allele CA250058526.

ClinVar aggregate classification (germline): Conflicting classifications of pathogenicity. Review status: criteria provided, conflicting classifications (1 of 4 stars). 3 submissions from 3 submitters: Likely pathogenic (1); Uncertain significance (1). 1 of the submissions does not count toward it. Last evaluated 2024-01-01.

Conditions:
Wilson disease (WND). Also called: Wilson's disease. Identifiers: Orphanet 905, MedGen C0019202, MONDO:0010200, OMIM 277900. Disease mechanism: loss of function.

Allele frequency attached by ClinVar (database versions not stated): gnomAD exomes below 0.00001.

Submissions (3):

Chongqing Key Laboratory of Child Rare Diseases in Infection and Immunity, Children’s Hospital of Chongqing Medical University
Classification: Uncertain significance for Wilson disease. Last evaluated: 2024-01-01. Review status: criteria provided, single submitter. Criteria: ACMG Guidelines, 2015. Collection method: clinical testing. Allele origin: germline. Inheritance: Autosomal recessive inheritance. Affected: yes.
Comment: Classified as Uncertain significance according to the ACMG/AMP 2015 guidelines (PMID:25741868). The classification was based on the available submitted evidence for Wilson disease (OMIM:277900), including clinical-testing observations, variant consequence/protein annotation, and published or ClinVar evidence where available. Supporting information considered: variant annotation: Splicing; submitted notation: NM_000053.4:c.2576-2A>G; source variant type: Splicing; source domain: NA; allele count n=230: 1.

Labcorp Genetics (formerly Invitae), Labcorp
Classification: Likely pathogenic for Wilson disease. Last evaluated: 2023-11-06. Review status: criteria provided, single submitter. Criteria: Invitae Variant Classification Sherloc (09022015). Collection method: clinical testing. Allele origin: germline.
Comment: This sequence change affects an acceptor splice site in intron 10 of the ATP7B gene. It is expected to disrupt RNA splicing. Variants that disrupt the donor or acceptor splice site typically lead to a loss of protein function (PMID: 16199547), and loss-of-function variants in ATP7B are known to be pathogenic (PMID: 10441329, 16283883). This variant is not present in population databases (gnomAD no frequency). This variant has not been reported in the literature in individuals affected with ATP7B-related conditions. ClinVar contains an entry for this variant (Variation ID: 551892). Algorithms developed to predict the effect of sequence changes on RNA splicing suggest that this variant may disrupt the consensus splice site. In summary, the currently available evidence indicates that the variant is pathogenic, but additional data are needed to prove that conclusively. Therefore, this variant has been classified as Likely Pathogenic.

Counsyl
Classification: Likely pathogenic for Wilson disease. Last evaluated: 2017-05-15. Review status: no assertion criteria provided. Collection method: clinical testing. Allele origin: unknown. Not counted in ClinVar's aggregate classification.

Literature cited by the submitters: PubMed 16199547 (cited by Labcorp Genetics (formerly Invitae), Labcorp); PubMed 10441329 (cited by Labcorp Genetics (formerly Invitae), Labcorp); PubMed 16283883 (cited by Labcorp Genetics (formerly Invitae), Labcorp).